The following is an entry in ClinVar:

ClinVar aggregate classification (germline): Benign/Likely benign. Review status: criteria provided, multiple submitters, no conflicts (2 of 4 stars). 4 submissions from 4 submitters: Benign (1); Likely benign (3). Last evaluated 2025-08-20.

Conditions:
Tuberous sclerosis syndrome (TSC). Also called: Tuberous Sclerosis Complex; Tuberous sclerosis. Identifiers: Orphanet 805, MedGen C0041341, MONDO:0001734.
Hereditary cancer-predisposing syndrome. Also called: Tumor predisposition; Neoplastic Syndromes, Hereditary; Hereditary Cancer Syndrome; Hereditary neoplastic syndrome. Identifiers: Orphanet 140162, MedGen C0027672, MeSH D009386, MONDO:0015356.
Tuberous sclerosis 2 (TSC2). Identifiers: Orphanet 805, MedGen C1860707, MONDO:0013199, OMIM 613254.

Allele frequency attached by ClinVar (database versions not stated): TOPMed below 0.00001; gnomAD 0.00001.
gnomAD v4.1: 3 of 1,613,516 alleles (0.00019%); highest among the groups gnomAD compares: African/African-American, 0.0013%; no homozygotes.

Submissions (4):

Labcorp Genetics (formerly Invitae), Labcorp
Classification: Likely benign for Tuberous sclerosis 2. Last evaluated: 2025-08-20. Review status: criteria provided, single submitter. Criteria: Invitae Variant Classification Sherloc (09022015). Collection method: clinical testing. Allele origin: germline.

Myriad Genetics, Inc.
Classification: Benign for Tuberous sclerosis 2. Last evaluated: 2025-05-19. Review status: criteria provided, single submitter. Criteria: Myriad Autosomal Dominant, Autosomal Recessive and X-Linked Classification Criteria (2023). Collection method: clinical testing. Allele origin: unknown.
Comment: This variant is considered benign. This variant is a silent/synonymous amino acid change and it is not expected to impact splicing.

All of Us Research Program, National Institutes of Health
Classification: Likely benign for Tuberous sclerosis syndrome. Last evaluated: 2023-06-26. Review status: criteria provided, single submitter. Criteria: ACMG Guidelines, 2015. Collection method: clinical testing. Allele origin: germline. Inheritance: Autosomal dominant inheritance. Observed: 1 variant allele, 1 heterozygote.
Comment: This study involves interpretation of variants in research participants for the purpose of population health screening. Participant phenotype was not available at the time of variant classification. Additional details can be found in publication PMID: 35346344, PMCID: PMC8962531

Ambry Genetics
Classification: Likely benign for Hereditary cancer-predisposing syndrome. Last evaluated: 2022-10-27. Review status: criteria provided, single submitter. Criteria: Ambry Variant Classification Scheme 2023. Collection method: clinical testing. Allele origin: germline.

NM_000548.5(TSC2):c.2238A>G (p.Thr746=)

Gene: TSC2 (TSC complex subunit 2; plus strand). Cytogenetic location: 16p13.3.
Variant type: single nucleotide variant.
Coding change: c.2238A>G on transcript NM_000548.5 (MANE Select); coding-DNA position 2238, A replaced by G.
Protein change: p.Thr746=; no amino-acid change (threonine 746 retained).
Molecular consequence: synonymous variant.
Genome position (GRCh38, 1-based): chr16:2,072,866, A>G. VCF-style: chr16-2072866-A-G. GRCh37 (hg19) VCF-style: chr16-2122867-A-G.
Other names: c.2238A>G, p.Thr746= (NM_001077183.3, NM_001114382.3, NM_001363528.2 and 3 more transcripts); c.2127A>G, p.Thr709= (NM_001318827.2); c.2091A>G, p.Thr697= (NM_001318829.2); c.1638A>G, p.Thr546= (NM_001318831.2); c.2271A>G, p.Thr757= (NM_001318832.2).
Identifiers: ClinVar variation 413729 (VCV000413729.17), dbSNP rs1060504115, ClinGen allele CA16615069.